The following is an entry in ClinVar:

NM_001374736.1(DST):c.16967G>A (p.Arg5656Gln)

Gene: DST (dystonin; minus strand). Cytogenetic location: 6p12.1.
Variant type: single nucleotide variant.
Coding change: c.16967G>A on transcript NM_001374736.1 (MANE Select); coding-DNA position 16967, G replaced by A.
Protein change: p.Arg5656Gln; replaces arginine 5656 with glutamine.
Molecular consequence: missense variant.
Genome position (GRCh38, 1-based): chr6:56,532,485, C>T on the plus strand (G>A on the coding strand, the complement: DST is on the minus strand). VCF-style: chr6-56532485-C-T. GRCh37 (hg19) VCF-style: chr6-56397283-C-T.
Other names: c.10610G>A, p.Arg3537Gln (NM_001144769.5); c.10196G>A, p.Arg3399Gln (NM_001144770.2); c.16967G>A, p.Arg5656Gln (NM_001374722.1); c.16334G>A, p.Arg5445Gln (NM_001374729.1); c.10076G>A, p.Arg3359Gln (NM_001374730.1, NM_183380.4); c.16994G>A, p.Arg5665Gln (NM_001374734.1); c.9098G>A, p.Arg3033Gln (NM_015548.5); short protein forms R3359Q, R3399Q, R3537Q, R5665Q, R5445Q, R5656Q, R3033Q.
Identifiers: ClinVar variation 809954 (VCV000809954.52), dbSNP rs116774070, ClinGen allele CA3867548.

ClinVar aggregate classification (germline): Conflicting classifications of pathogenicity. Review status: criteria provided, conflicting classifications (1 of 4 stars). 4 submissions from 4 submitters: Uncertain significance (1); Likely benign (3). Last evaluated 2025-09-29.

Conditions:
Hereditary sensory and autonomic neuropathy type 6. Also called: Neuropathy, hereditary sensory and autonomic, type VI; HSAN VI. Identifiers: Orphanet 314381, MedGen C3539003, MONDO:0013839, OMIM 614653.
Epidermolysis bullosa simplex 3, localized or generalized intermediate, with BP230 deficiency (EBS3). Also called: Epidermolysis bullosa simplex, autosomal recessive 2; Epidermolysis bullosa simplex due to BP230 deficiency. Identifiers: Orphanet 412181, MedGen C3809470, MONDO:0014180, OMIM 615425.
DST-related disorder. Also called: DST-related condition; DST-related disorders.
Inborn genetic diseases. Identifiers: MedGen C0950123, MeSH D030342.

Allele frequency attached by ClinVar (database versions not stated): gnomAD exomes 0.00010 and 0.00027; ExAC 0.00045; TOPMed 0.00086; gnomAD 0.00088; ESP Exome Variant Server 0.00110; 1000 Genomes Project 30x 0.00156; 1000 Genomes Project 0.00200.
gnomAD v4.1: 284 of 1,604,118 alleles (0.018%); highest among the groups gnomAD compares: African/African-American, 0.31%; 2 homozygotes.

Submissions (4):

Labcorp Genetics (formerly Invitae), Labcorp
Classification: Likely benign for Epidermolysis bullosa simplex 3, localized or generalized intermediate, with BP230 deficiency; Hereditary sensory and autonomic neuropathy type 6. Last evaluated: 2025-09-29. Review status: criteria provided, single submitter. Criteria: Invitae Variant Classification Sherloc (09022015). Collection method: clinical testing. Allele origin: germline.

PreventionGenetics, part of Exact Sciences
Classification: Likely benign for DST-related condition. Last evaluated: 2025-03-20. Review status: criteria provided, single submitter. Criteria: ACMG Guidelines, 2015. Collection method: clinical testing. Allele origin: germline.
Comment: This variant is classified as likely benign based on ACMG/AMP sequence variant interpretation guidelines (Richards et al. 2015 PMID: 25741868, with internal and published modifications).

Ambry Genetics
Classification: Likely benign for Inborn genetic diseases. Last evaluated: 2019-11-06. Review status: criteria provided, single submitter. Criteria: Ambry Variant Classification Scheme 2023. Collection method: clinical testing. Allele origin: germline.

CeGaT Center for Human Genetics Tuebingen
Classification: Uncertain significance. Last evaluated: 2016-06-01. Review status: criteria provided, single submitter. Criteria: CeGaT Center For Human Genetics Tuebingen Variant Classification Criteria Version 2. Collection method: clinical testing. Allele origin: germline. Affected: yes. Observed: 1 variant allele.